The following is an entry in ClinVar:

NM_006231.4(POLE):c.1299_1300dup (p.Tyr434fs)

Gene: POLE (DNA polymerase epsilon, catalytic subunit; minus strand). Cytogenetic location: 12q24.33.
Variant type: Duplication.
Coding change: c.1299_1300dup on transcript NM_006231.4 (MANE Select); coding-DNA positions 1299 to 1300, 2 bases duplicated (CT; older notation c.1299_1300dupCT).
Protein change: p.Tyr434fs; shifts the reading frame from tyrosine 434.
Molecular consequence: frameshift variant.
Genome position (GRCh38, 1-based): chr12:132,673,634-132,673,635, AG duplicated on the plus strand (CT on the coding strand, the reverse complement: POLE is on the minus strand). VCF-style (leftmost placement, unchanged base first): chr12-132673633-T-TAG. GRCh37 (hg19) VCF-style: chr12-133250219-T-TAG.
Other names: c.1299_1300dupCT (NM_006231.2); short protein forms Y434fs.
Identifiers: ClinVar variation 2135779 (VCV002135779.5), dbSNP rs2542146046, ClinGen allele CA2580086065.
Genomic context (GRCh38, chr12:132,673,633, plus strand): 5'-GCCTGGGGCTGCTCCGTGGCCATCCGGCACATGTCCTCCGGGTCTAGCTCCACGGGATCA[T>TAG]AGCCTAGCTTGGCCTTGGCGGCCGCCTTGAGATTATGACTGCCCACAGGAAGGTAACTGT-3'

ClinVar aggregate classification (germline): Conflicting classifications of pathogenicity. Review status: criteria provided, conflicting classifications (1 of 4 stars). 2 submissions from 2 submitters: Pathogenic (1); Uncertain significance (1). Last evaluated 2026-04-13.

Conditions:
Hereditary cancer-predisposing syndrome. Also called: Tumor predisposition; Hereditary Cancer Syndrome; Hereditary neoplastic syndrome; Neoplastic Syndromes, Hereditary. Identifiers: Orphanet 140162, MedGen C0027672, MeSH D009386, MONDO:0015356.

Submissions (2):

Ambry Genetics
Classification: Uncertain significance for Hereditary cancer-predisposing syndrome. Last evaluated: 2026-04-13. Review status: criteria provided, single submitter. Criteria: Ambry Variant Classification Scheme 2023. Collection method: clinical testing. Allele origin: germline.
Comment: The c.1299_1300dupCT variant, located in coding exon 13 of the POLE gene, results from a duplication of CT at nucleotide position 1299, causing a translational frameshift with a predicted alternate stop codon (p.Y434Sfs*7). This alteration is expected to result in loss of function by premature protein truncation or nonsense-mediated mRNA decay. Although biallelic loss of function of POLE has been associated with autosomal recessive POLE deficiency, haploinsufficiency of POLE has not been established as a mechanism of disease for POLE-related polymerase proofreading-associated polyposis (PPAP) and POLE-related CMMRD-like syndrome. Based on the supporting evidence, this variant is expected to be causative of POLE deficiency when present along with a second pathogenic variant on the other allele; however, its clinical significance for PPAP and POLE-related CMMRD-like syndrome is unclear.

Labcorp Genetics (formerly Invitae), Labcorp
Classification: Pathogenic. Last evaluated: 2025-09-08. Review status: criteria provided, single submitter. Criteria: Invitae Variant Classification Sherloc (09022015). Collection method: clinical testing. Allele origin: germline.
Comment: This sequence change creates a premature translational stop signal (p.Tyr434Serfs*7) in the POLE gene. It is expected to result in an absent or disrupted protein product. Loss-of-function variants in POLE are known to be pathogenic (PMID: 23230001, 25948378, 30503519). This variant is not present in population databases (gnomAD no frequency). This variant has not been reported in the literature in individuals affected with POLE-related conditions. ClinVar contains an entry for this variant (Variation ID: 2135779). For these reasons, this variant has been classified as Pathogenic.

Literature cited by the submitters: PubMed 23230001 (cited by Labcorp Genetics (formerly Invitae), Labcorp); PubMed 25948378 (cited by Labcorp Genetics (formerly Invitae), Labcorp); PubMed 30503519 (cited by Labcorp Genetics (formerly Invitae), Labcorp).